The following is an entry in ClinVar:

ClinVar aggregate classification (germline): Likely pathogenic (1 of 4 stars; one submission).

Allele frequency attached by ClinVar (database versions not stated): gnomAD exomes below 0.00001.
gnomAD v4.1: 6 of 1,613,628 alleles (0.00037%); highest among the groups gnomAD compares: South Asian, 0.0011%; no homozygotes.

Submission:

Labcorp Genetics (formerly Invitae), Labcorp
Classification: Likely pathogenic. Last evaluated: 2023-05-19. Review status: criteria provided, single submitter. Criteria: Invitae Variant Classification Sherloc (09022015). Collection method: clinical testing. Allele origin: germline.
Comment: This sequence change affects an acceptor splice site in intron 18 of the PCNT gene. It is expected to disrupt RNA splicing. Variants that disrupt the donor or acceptor splice site typically lead to a loss of protein function (PMID: 16199547), and loss-of-function variants in PCNT are known to be pathogenic (PMID: 18174396, 22821869). This variant is not present in population databases (gnomAD no frequency). Disruption of this splice site has been observed in individual(s) with microcephalic osteodysplastic primordial dwarfism (PMID: 19643772). Algorithms developed to predict the effect of sequence changes on RNA splicing suggest that this variant may disrupt the consensus splice site. In summary, the currently available evidence indicates that the variant is pathogenic, but additional data are needed to prove that conclusively. Therefore, this variant has been classified as Likely Pathogenic.

Literature cited by the submitters: PubMed 16199547; PubMed 18174396; PubMed 22821869; PubMed 19643772.

NM_006031.6(PCNT):c.3608-2A>G

Gene: PCNT (pericentrin; plus strand). Cytogenetic location: 21q22.3.
Variant type: single nucleotide variant.
Coding change: c.3608-2A>G on transcript NM_006031.6 (MANE Select); the canonical splice acceptor site of the intron before coding-DNA position 3608, A replaced by G.
Molecular consequence: splice acceptor variant.
Genome position (GRCh38, 1-based): chr21:46,389,197, A>G. VCF-style: chr21-46389197-A-G. GRCh37 (hg19) VCF-style: chr21-47809112-A-G.
Other names: c.3254-2A>G (NM_001315529.2).
Identifiers: ClinVar variation 2737016 (VCV002737016.3), dbSNP rs2085947999, ClinGen allele CA410575244.